The following is an entry in ClinVar:

ClinVar aggregate classification (germline): Pathogenic (1 of 4 stars; one submission).

Conditions:
Hereditary cancer-predisposing syndrome. Also called: Neoplastic Syndromes, Hereditary; Hereditary Cancer Syndrome; Hereditary neoplastic syndrome; Tumor predisposition. Identifiers: Orphanet 140162, MedGen C0027672, MeSH D009386, MONDO:0015356.

Allele frequency attached by ClinVar (database versions not stated): TOPMed below 0.00001.

Submission:

Labcorp Genetics (formerly Invitae), Labcorp
Classification: Pathogenic for Hereditary cancer-predisposing syndrome. Last evaluated: 2023-08-27. Review status: criteria provided, single submitter. Criteria: Invitae Variant Classification Sherloc (09022015). Collection method: clinical testing. Allele origin: germline.
Comment: For these reasons, this variant has been classified as Pathogenic. This variant has not been reported in the literature in individuals affected with RAD50-related conditions. This variant is not present in population databases (gnomAD no frequency). This sequence change creates a premature translational stop signal (p.Glu1033*) in the RAD50 gene. It is expected to result in an absent or disrupted protein product. Loss-of-function variants in RAD50 are known to be pathogenic (PMID: 19409520).

Literature cited by the submitters: PubMed 19409520.

NM_005732.4(RAD50):c.3097G>T (p.Glu1033Ter)

Gene: RAD50 (RAD50 double strand break repair protein; plus strand). Cytogenetic location: 5q31.1.
Variant type: single nucleotide variant.
Coding change: c.3097G>T on transcript NM_005732.4 (MANE Select); coding-DNA position 3097, G replaced by T.
Protein change: p.Glu1033Ter; replaces glutamic acid 1033 with a stop codon.
Molecular consequence: nonsense.
Genome position (GRCh38, 1-based): chr5:132,616,063, G>T. VCF-style: chr5-132616063-G-T. GRCh37 (hg19) VCF-style: chr5-131951755-G-T.
Other names: short protein forms E1033*.
Identifiers: ClinVar variation 2873840 (VCV002873840.3), dbSNP rs1751169470, ClinGen allele CA360963621.